The following is an entry in ClinVar:

NM_170606.3(KMT2C):c.7203del (p.Gly2402fs)

Gene: KMT2C (lysine methyltransferase 2C; minus strand). Cytogenetic location: 7q36.1.
Variant type: Deletion.
Coding change: c.7203del on transcript NM_170606.3 (MANE Select); coding-DNA position 7203, one base deleted (A; older notation c.7203delA).
Protein change: p.Gly2402fs; shifts the reading frame from glycine 2402.
Molecular consequence: frameshift variant.
Genome position (GRCh38, 1-based): chr7:152,180,073, T deleted on the plus strand (A on the coding strand, the reverse complement: KMT2C is on the minus strand). VCF-style (leftmost placement, unchanged base first): chr7-152180072-CT-C. GRCh37 (hg19) VCF-style: chr7-151877157-CT-C.
Other names: short protein forms G2402fs.
Identifiers: ClinVar variation 1304828 (VCV001304828.2), dbSNP rs2129118279, ClinGen allele CA2573052845.

ClinVar aggregate classification (germline): Uncertain significance (1 of 4 stars; one submission).

Submission:

GeneDx
Classification: Uncertain significance. Last evaluated: 2019-08-01. Review status: criteria provided, single submitter. Criteria: GeneDx Variant Classification Process June 2021. Collection method: clinical testing. Allele origin: germline. Affected: yes.
Comment: Not observed in large population cohorts (Lek et al., 2016); Frameshift variant predicted to result in protein truncation or nonsense mediated decay in a gene for which loss-of-function is not a known mechanism of disease; Has not been previously published as pathogenic or benign to our knowledge